The following is an entry in ClinVar:

NM_000292.3(PHKA2):c.940G>A (p.Asp314Asn)

Gene: PHKA2 (phosphorylase kinase regulatory subunit alpha 2; minus strand). Cytogenetic location: Xp22.13.
Variant type: single nucleotide variant.
Coding change: c.940G>A on transcript NM_000292.3 (MANE Select); coding-DNA position 940, G replaced by A.
Protein change: p.Asp314Asn; replaces aspartic acid 314 with asparagine.
Molecular consequence: missense variant.
Genome position (GRCh38, 1-based): chrX:18,938,728, C>T on the plus strand (G>A on the coding strand, the complement: PHKA2 is on the minus strand). VCF-style: chrX-18938728-C-T. GRCh37 (hg19) VCF-style: chrX-18956846-C-T.
Other names: c.940G>A, p.Asp314Asn (NM_001440800.1, NM_001440801.1, NM_001440805.1); c.841G>A, p.Asp281Asn (NM_001440802.1, NM_001440803.1, NM_001440804.1); short protein forms D281N, D314N.
Identifiers: ClinVar variation 4991020 (VCV004991020.1).

ClinVar aggregate classification (germline): Uncertain significance (1 of 4 stars; one submission).

Conditions:
PHKA2-related disorder. Also called: PHKA2-related condition.

Submission:

PreventionGenetics, part of Exact Sciences
Classification: Uncertain significance for PHKA2-related condition. Last evaluated: 2025-12-08. Review status: criteria provided, single submitter. Criteria: ACMG Guidelines, 2015. Collection method: clinical testing. Allele origin: germline.
Comment: The PHKA2 c.940G>A variant is predicted to result in the amino acid substitution p.Asp314Asn. To our knowledge, this variant has not been reported in the literature or in a large population database (gnomAD), indicating this variant is rare. At this time, the clinical significance of this variant is uncertain due to the absence of conclusive functional and genetic evidence.